The following is an entry in ClinVar:

NM_002855.5(NECTIN1):c.727G>A (p.Val243Met)

Gene: NECTIN1 (nectin cell adhesion molecule 1; minus strand). Cytogenetic location: 11q23.3.
Variant type: single nucleotide variant.
Coding change: c.727G>A on transcript NM_002855.5 (MANE Select); coding-DNA position 727, G replaced by A.
Protein change: p.Val243Met; replaces valine 243 with methionine.
Molecular consequence: missense variant.
Genome position (GRCh38, 1-based): chr11:119,677,561, C>T on the plus strand (G>A on the coding strand, the complement: NECTIN1 is on the minus strand). VCF-style: chr11-119677561-C-T. GRCh37 (hg19) VCF-style: chr11-119548271-C-T.
Other names: c.727G>A, p.Val243Met (NM_203285.2, NM_203286.2); short protein forms V243M.
Identifiers: ClinVar variation 1415078 (VCV001415078.8), dbSNP rs779104764, ClinGen allele CA6322023.

ClinVar aggregate classification (germline): Uncertain significance (1 of 4 stars; one submission).

Allele frequency attached by ClinVar (database versions not stated): gnomAD 0.00001; ExAC 0.00002; gnomAD exomes 0.00003.
gnomAD v4.1: 44 of 1,612,456 alleles (0.0027%); highest among the groups gnomAD compares: East Asian, 0.0089%; no homozygotes.

Submission:

Labcorp Genetics (formerly Invitae), Labcorp
Classification: Uncertain significance. Last evaluated: 2023-05-22. Review status: criteria provided, single submitter. Criteria: Invitae Variant Classification Sherloc (09022015). Collection method: clinical testing. Allele origin: germline.
Comment: This sequence change replaces valine, which is neutral and non-polar, with methionine, which is neutral and non-polar, at codon 243 of the NECTIN1 protein (p.Val243Met). This variant is present in population databases (rs779104764, gnomAD 0.007%). This variant has not been reported in the literature in individuals affected with NECTIN1-related conditions. ClinVar contains an entry for this variant (Variation ID: 1415078). An algorithm developed to predict the effect of missense changes on protein structure and function (PolyPhen-2) suggests that this variant is likely to be disruptive. In summary, the available evidence is currently insufficient to determine the role of this variant in disease. Therefore, it has been classified as a Variant of Uncertain Significance.